The following is an entry in ClinVar:

NM_000368.5(TSC1):c.47C>G (p.Ser16Cys)

Gene: TSC1 (TSC complex subunit 1; minus strand). Cytogenetic location: 9q34.13.
Variant type: single nucleotide variant.
Coding change: c.47C>G on transcript NM_000368.5 (MANE Select); coding-DNA position 47, C replaced by G.
Protein change: p.Ser16Cys; replaces serine 16 with cysteine.
Molecular consequence: missense variant. On other transcripts: 5 prime UTR variant (1).
Genome position (GRCh38, 1-based): chr9:132,928,826, G>C on the plus strand (C>G on the coding strand, the complement: TSC1 is on the minus strand). VCF-style: chr9-132928826-G-C. GRCh37 (hg19) VCF-style: chr9-135804213-G-C.
Other names: c.47C>G, p.Ser16Cys (NM_001162426.2, NM_001162427.2); c.-213C>G (NM_001362177.2); short protein forms S16C.
Identifiers: ClinVar variation 466145 (VCV000466145.7), dbSNP rs774900322, ClinGen allele CA037571.

ClinVar aggregate classification (germline): Uncertain significance. Review status: criteria provided, multiple submitters, no conflicts (2 of 4 stars). 2 submissions from 2 submitters: Uncertain significance (2). Last evaluated 2026-01-09.

Conditions:
Tuberous sclerosis 1 (TSC1). Identifiers: Orphanet 805, MedGen C1854465, MONDO:0008612, OMIM 191100.
Hereditary cancer-predisposing syndrome. Also called: Neoplastic Syndromes, Hereditary; Tumor predisposition; Hereditary neoplastic syndrome; Hereditary Cancer Syndrome. Identifiers: Orphanet 140162, MedGen C0027672, MeSH D009386, MONDO:0015356.

Allele frequency attached by ClinVar (database versions not stated): gnomAD exomes 0.00001 and 0.00002; ExAC 0.00002.
gnomAD v4.1: 6 of 1,614,186 alleles (0.00037%); highest among the groups gnomAD compares: Non-Finnish European, 0.00051%; no homozygotes.

Submissions (2):

Ambry Genetics
Classification: Uncertain significance for Hereditary cancer-predisposing syndrome. Last evaluated: 2026-01-09. Review status: criteria provided, single submitter. Criteria: Ambry Variant Classification Scheme 2023. Collection method: clinical testing. Allele origin: germline.
Comment: The p.S16C variant (also known as c.47C>G), located in coding exon 1 of the TSC1 gene, results from a C to G substitution at nucleotide position 47. The serine at codon 16 is replaced by cysteine, an amino acid with dissimilar properties. This amino acid position is well conserved in available vertebrate species. In addition, the in silico prediction for this alteration is inconclusive. Based on the available evidence, the clinical significance of this variant remains unclear.

Labcorp Genetics (formerly Invitae), Labcorp
Classification: Uncertain significance for Tuberous sclerosis 1. Last evaluated: 2021-08-31. Review status: criteria provided, single submitter. Criteria: Invitae Variant Classification Sherloc (09022015). Collection method: clinical testing. Allele origin: germline.
Comment: This sequence change replaces serine with cysteine at codon 16 of the TSC1 protein (p.Ser16Cys). The serine residue is highly conserved and there is a moderate physicochemical difference between serine and cysteine. This variant is present in population databases (rs774900322, ExAC 0.004%). This variant has not been reported in the literature in individuals affected with TSC1-related conditions. Algorithms developed to predict the effect of missense changes on protein structure and function are either unavailable or do not agree on the potential impact of this missense change (SIFT: "Deleterious"; PolyPhen-2: "Probably Damaging"; Align-GVGD: "Class C0"). In summary, the available evidence is currently insufficient to determine the role of this variant in disease. Therefore, it has been classified as a Variant of Uncertain Significance.